The following is an entry in ClinVar:

ClinVar aggregate classification (germline): Uncertain significance (1 of 4 stars; one submission).

Submission:

GeneDx
Classification: Uncertain significance. Last evaluated: 2026-02-25. Review status: criteria provided, single submitter. Criteria: GeneDx Variant Classification Process June 2021. Collection method: clinical testing. Allele origin: germline.
Comment: Not observed at significant frequency in large population cohorts (gnomAD); In silico analysis supports that this missense variant does not alter protein structure/function; Has not been previously published as pathogenic or benign to our knowledge

NM_021072.4(HCN1):c.955G>A (p.Val319Ile)

Gene: HCN1 (hyperpolarization activated cyclic nucleotide gated potassium channel 1; minus strand). Cytogenetic location: 5p12.
Variant type: single nucleotide variant.
Coding change: c.955G>A on transcript NM_021072.4 (MANE Select); coding-DNA position 955, G replaced by A.
Protein change: p.Val319Ile; replaces valine 319 with isoleucine.
Molecular consequence: missense variant.
Genome position (GRCh38, 1-based): chr5:45,461,902, C>T on the plus strand (G>A on the coding strand, the complement: HCN1 is on the minus strand). VCF-style: chr5-45461902-C-T. GRCh37 (hg19) VCF-style: chr5-45462004-C-T.
Other names: short protein forms V319I.
Identifiers: ClinVar variation 4888089 (VCV004888089.1).